The following is an entry in ClinVar:

NM_007294.4(BRCA1):c.507G>A (p.Gln169=)

Gene: BRCA1 (BRCA1 DNA repair associated; minus strand). Cytogenetic location: 17q21.31.
Variant type: single nucleotide variant.
Coding change: c.507G>A on transcript NM_007294.4 (MANE Select); coding-DNA position 507, G replaced by A.
Protein change: p.Gln169=; no amino-acid change (glutamine 169 retained).
Molecular consequence: synonymous variant. On other transcripts: intron variant (2).
Genome position (GRCh38, 1-based): chr17:43,099,815, C>T on the plus strand (G>A on the coding strand, the complement: BRCA1 is on the minus strand). VCF-style: chr17-43099815-C-T. GRCh37 (hg19) VCF-style: chr17-41251832-C-T.
Other names: c.507G>A, p.Gln169= (NM_001407618.1, NM_001407619.1, NM_001407620.1 and 97 more transcripts); c.504G>A, p.Gln168= (NM_001407627.1, NM_001407628.1, NM_001407629.1 and 65 more transcripts); c.498G>A, p.Gln166= (NM_001407646.1, NM_001407647.1, NM_001408408.1); c.429G>A, p.Gln143= (NM_001407653.1, NM_001407654.1, NM_001407655.1 and 12 more transcripts); c.426G>A, p.Gln142= (NM_001407659.1, NM_001407660.1, NM_001407661.1 and 6 more transcripts); c.366G>A, p.Gln122= (NM_001407692.1, NM_001407694.1, NM_001407695.1 and 61 more transcripts); c.363G>A, p.Gln121= (NM_001407740.1, NM_001407741.1, NM_001407742.1 and 35 more transcripts); c.294G>A, p.Gln98= (NM_001407853.1, NM_001407894.1, NM_001407895.1 and 18 more transcripts); and 5 more.
Identifiers: ClinVar variation 185706 (VCV000185706.23), dbSNP rs759882045, ClinGen allele CA003220.

ClinVar aggregate classification (germline): Likely benign. Review status: reviewed by expert panel (3 of 4 stars). 8 submissions from 8 submitters: Likely benign (1). 7 of the submissions do not count toward it. Last evaluated 2017-06-29.

Conditions:
Hereditary cancer-predisposing syndrome. Also called: Hereditary Cancer Syndrome; Hereditary neoplastic syndrome; Tumor predisposition; Neoplastic Syndromes, Hereditary. Identifiers: Orphanet 140162, MedGen C0027672, MeSH D009386, MONDO:0015356.
Hereditary breast ovarian cancer syndrome. Also called: Hereditary breast and ovarian cancer syndrome; Hereditary breast and ovarian cancer syndrome (HBOC); BRCA1- and BRCA2-Associated Hereditary Breast and Ovarian Cancer; Breast and ovarian cancer; Hereditary breast and ovarian cancer; Hereditary breast and/or ovarian cancer syndrome. Identifiers: Orphanet 145, MedGen C0677776, MeSH D061325, MONDO:0003582. Disease mechanism: loss of function.
Breast-ovarian cancer, familial, susceptibility to, 1 (BROVCA1). Also called: OVARIAN CANCER, SUSCEPTIBILITY TO; BRCA1 Hereditary Breast and Ovarian Cancer. Identifiers: Orphanet 145, MedGen C2676676, MONDO:0011450, OMIM 604370. Disease mechanism: loss of function.

Allele frequency attached by ClinVar (database versions not stated): ExAC 0.00001; gnomAD exomes 0.00001; gnomAD 0.00003.

Submissions (8):

Evidence-based Network for the Interpretation of Germline Mutant Alleles (ENIGMA)
Classification: Likely benign for Breast-ovarian cancer, familial, susceptibility to, 1. Last evaluated: 2017-06-29. Review status: reviewed by expert panel. Criteria: ENIGMA BRCA1/2 Classification Criteria (2017-06-29). Collection method: curation. Allele origin: germline.
Comment: Synonymous substitution variant, with low bioinformatic likelihood to result in a splicing aberration (Splicing prior probability 0.02).

Labcorp Genetics (formerly Invitae), Labcorp
Classification: Likely benign for Hereditary breast ovarian cancer syndrome. Last evaluated: 2025-02-26. Review status: criteria provided, single submitter. Criteria: Invitae Variant Classification Sherloc (09022015). Collection method: clinical testing. Allele origin: germline. Not counted in ClinVar's aggregate classification.

Quest Diagnostics Nichols Institute San Juan Capistrano
Classification: Likely benign. Last evaluated: 2025-01-29. Review status: criteria provided, single submitter. Criteria: Quest Diagnostics criteria. Collection method: clinical testing. Allele origin: unknown. Not counted in ClinVar's aggregate classification.

All of Us Research Program, National Institutes of Health
Classification: Likely benign for Breast-ovarian cancer, familial, susceptibility to, 1. Last evaluated: 2023-10-02. Review status: criteria provided, single submitter. Criteria: ACMG Guidelines, 2015. Collection method: clinical testing. Allele origin: germline. Inheritance: Autosomal dominant inheritance. Observed: 2 variant alleles, 2 heterozygotes. Not counted in ClinVar's aggregate classification.
Comment: This study involves interpretation of variants in research participants for the purpose of population health screening. Participant phenotype was not available at the time of variant classification. Additional details can be found in publication PMID: 35346344, PMCID: PMC8962531

Color Diagnostics, LLC DBA Color Health
Classification: Likely benign for Hereditary cancer-predisposing syndrome. Last evaluated: 2022-02-15. Review status: criteria provided, single submitter. Criteria: ACMG Guidelines, 2015. Collection method: clinical testing. Allele origin: germline. Not counted in ClinVar's aggregate classification.

Women's Health and Genetics/Laboratory Corporation of America, LabCorp
Classification: Likely benign. Last evaluated: 2020-11-12. Review status: criteria provided, single submitter. Criteria: LabCorp Variant Classification Summary - May 2015. Collection method: clinical testing. Allele origin: germline. Not counted in ClinVar's aggregate classification.

GeneDx
Classification: Benign. Last evaluated: 2015-09-17. Review status: criteria provided, single submitter. Criteria: GeneDx Variant Classification Process June 2021. Collection method: clinical testing. Allele origin: germline. Affected: yes. Not counted in ClinVar's aggregate classification.

Ambry Genetics
Classification: Likely benign for Hereditary cancer-predisposing syndrome. Last evaluated: 2014-07-11. Review status: criteria provided, single submitter. Criteria: Ambry Variant Classification Scheme 2023. Collection method: clinical testing. Allele origin: germline. Not counted in ClinVar's aggregate classification.